The following is an entry in ClinVar:

ClinVar aggregate classification (germline): Uncertain significance (1 of 4 stars; one submission).

Conditions:
Immunodeficiency. Identifiers: MedGen C0021051, MONDO:0021094, HP:0002721.

Allele frequency attached by ClinVar (database versions not stated): gnomAD exomes 0.00001; ExAC 0.00002; TOPMed 0.00002; gnomAD 0.00003 and 0.00004; ESP Exome Variant Server 0.00008.
gnomAD v4.1: 23 of 1,613,966 alleles (0.0014%); highest among the groups gnomAD compares: Non-Finnish European, 0.0018%; no homozygotes.

Submission:

Labcorp Genetics (formerly Invitae), Labcorp
Classification: Uncertain significance for Immunodeficiency. Last evaluated: 2024-12-12. Review status: criteria provided, single submitter. Criteria: Invitae Variant Classification Sherloc (09022015). Collection method: clinical testing. Allele origin: germline.
Comment: This sequence change replaces glycine, which is neutral and non-polar, with serine, which is neutral and polar, at codon 1131 of the NFAT5 protein (p.Gly1131Ser). This variant is present in population databases (rs377262455, gnomAD 0.004%). This variant has not been reported in the literature in individuals affected with NFAT5-related conditions. ClinVar contains an entry for this variant (Variation ID: 1438744). An algorithm developed to predict the effect of missense changes on protein structure and function outputs the following: PolyPhen-2: "Benign". The serine amino acid residue is found in multiple mammalian species, which suggests that this missense change does not adversely affect protein function. In summary, the available evidence is currently insufficient to determine the role of this variant in disease. Therefore, it has been classified as a Variant of Uncertain Significance.

NM_138713.4(NFAT5):c.3673G>A (p.Gly1225Ser)

Gene: NFAT5 (nuclear factor of activated T cells 5; plus strand). Cytogenetic location: 16q22.1.
Variant type: single nucleotide variant.
Coding change: c.3673G>A on transcript NM_138713.4 (MANE Select); coding-DNA position 3673, G replaced by A.
Protein change: p.Gly1225Ser; replaces glycine 1225 with serine.
Molecular consequence: missense variant.
Genome position (GRCh38, 1-based): chr16:69,693,498, G>A. VCF-style: chr16-69693498-G-A. GRCh37 (hg19) VCF-style: chr16-69727401-G-A.
Other names: c.3670G>A, p.Gly1224Ser (NM_001113178.3); c.2998G>A, p.Gly1000Ser (NM_001367709.1); c.3619G>A, p.Gly1207Ser (NM_006599.4); c.3391G>A, p.Gly1131Ser (NM_138714.4, NM_173214.3, NM_173215.3); short protein forms G1000S, G1131S, G1207S, G1225S, G1224S.
Identifiers: ClinVar variation 1438744 (VCV001438744.6), dbSNP rs377262455, ClinGen allele CA8135933.